The following is an entry in ClinVar:

NM_001008537.3(NEXMIF):c.775G>A (p.Gly259Ser)

Gene: NEXMIF (neurite extension and migration factor; minus strand). Cytogenetic location: Xq13.3.
Variant type: single nucleotide variant.
Coding change: c.775G>A on transcript NM_001008537.3 (MANE Select); coding-DNA position 775, G replaced by A.
Protein change: p.Gly259Ser; replaces glycine 259 with serine.
Molecular consequence: missense variant.
Genome position (GRCh38, 1-based): chrX:74,743,782, C>T on the plus strand (G>A on the coding strand, the complement: NEXMIF is on the minus strand). VCF-style: chrX-74743782-C-T. GRCh37 (hg19) VCF-style: chrX-73963617-C-T.
Other names: short protein forms G259S.
Identifiers: ClinVar variation 3299393 (VCV003299393.2).

ClinVar aggregate classification (germline): Uncertain significance. Review status: criteria provided, multiple submitters, no conflicts (2 of 4 stars). 2 submissions from 2 submitters: Uncertain significance (2). Last evaluated 2025-06-09.

Submissions (2):

Labcorp Genetics (formerly Invitae), Labcorp
Classification: Uncertain significance. Last evaluated: 2025-06-09. Review status: criteria provided, single submitter. Criteria: Invitae Variant Classification Sherloc (09022015). Collection method: clinical testing. Allele origin: germline.
Comment: This sequence change replaces glycine, which is neutral and non-polar, with serine, which is neutral and polar, at codon 259 of the NEXMIF protein (p.Gly259Ser). This variant is present in population databases (rs774174996, gnomAD 0.008%). This variant has not been reported in the literature in individuals affected with NEXMIF-related conditions. ClinVar contains an entry for this variant (Variation ID: 3299393). An algorithm developed to predict the effect of missense changes on protein structure and function (PolyPhen-2) suggests that this variant is likely to be disruptive. In summary, the available evidence is currently insufficient to determine the role of this variant in disease. Therefore, it has been classified as a Variant of Uncertain Significance.

Ambry Genetics
Classification: Uncertain significance. Last evaluated: 2024-04-04. Review status: criteria provided, single submitter. Criteria: Ambry Variant Classification Scheme 2023. Collection method: clinical testing. Allele origin: germline.